The following is an entry in ClinVar:

NM_005787.6(ALG3):c.286G>A (p.Gly96Arg)

Gene: ALG3 (ALG3 alpha-1,3- mannosyltransferase; minus strand). Cytogenetic location: 3q27.1.
Variant type: single nucleotide variant.
Coding change: c.286G>A on transcript NM_005787.6 (MANE Select); coding-DNA position 286, G replaced by A.
Protein change: p.Gly96Arg; replaces glycine 96 with arginine.
Molecular consequence: missense variant. On other transcripts: non-coding transcript variant (1).
Genome position (GRCh38, 1-based): chr3:184,245,723, C>T on the plus strand (G>A on the coding strand, the complement: ALG3 is on the minus strand). VCF-style: chr3-184245723-C-T. GRCh37 (hg19) VCF-style: chr3-183963511-C-T.
Other names: c.142G>A, p.Gly48Arg (NM_001006941.2); short protein forms G96R, G48R.
Identifiers: ClinVar variation 617673 (VCV000617673.3), dbSNP rs367679074, ClinGen allele CA2729599.
Genomic context (GRCh38, chr3:184,245,723, plus strand): 5'-GTACCTAACCAGCCCCTCACATCCTCCCTGAACTTCCTGTCCCCACTCACACAAGTGGTC[C>T]GGTGTCACCCTGCAGTTGGGTATAGTCATAGGTACCATTGATGACGCCTTCTACCTCGGC-3'
Protein context (NP_005778.1, residues 86-106): YDYTQLQGDT[Gly96Arg]PLVYPAGFVY

ClinVar aggregate classification (germline): Conflicting classifications of pathogenicity. Review status: criteria provided, conflicting classifications (1 of 4 stars). 3 submissions from 3 submitters: Likely pathogenic (1); Uncertain significance (1). 1 of the submissions does not count toward it. Last evaluated 2026-01-27.

Conditions:
ALG3-congenital disorder of glycosylation. Also called: CONGENITAL DISORDER OF GLYCOSYLATION, TYPE Id; CDG Id; ALG3-CDG; CARBOHYDRATE-DEFICIENT GLYCOPROTEIN SYNDROME, TYPE IV; CDGS, TYPE IV. Identifiers: Orphanet 79321, MedGen C1832736, MONDO:0010998, OMIM 601110.

Allele frequency attached by ClinVar (database versions not stated): gnomAD 0.00001; ESP Exome Variant Server 0.00008; ExAC 0.00002; TOPMed 0.00001; gnomAD exomes 0.00002.
gnomAD v4.1: 28 of 1,612,990 alleles (0.0017%); highest among the groups gnomAD compares: Non-Finnish European, 0.0023%; no homozygotes.

Submissions (3):

GeneDx
Classification: Uncertain significance. Last evaluated: 2026-01-27. Review status: criteria provided, single submitter. Criteria: GeneDx Variant Classification Process June 2021. Collection method: clinical testing. Allele origin: germline.
Comment: Not observed at significant frequency in large population cohorts (gnomAD); In silico analysis supports that this missense variant has a deleterious effect on protein structure/function; In silico analysis suggests this variant may impact gene splicing. In the absence of RNA/functional studies, the actual effect of this sequence change is unknown.; This variant is associated with the following publications: (PMID: 34426522, 34090370, 26126960, 31067009)

Victorian Clinical Genetics Services, Murdoch Childrens Research Institute
Classification: Likely pathogenic for ALG3-congenital disorder of glycosylation. Last evaluated: 2020-05-21. Review status: criteria provided, single submitter. Criteria: ACMG Guidelines, 2015. Collection method: clinical testing. Allele origin: germline. Inheritance: Autosomal recessive inheritance. Affected: yes.
Comment: A heterozygous missense variant was identified, NM_005787.5(ALG3):c.286G>A in exon 2 of 9 of the ALG3 gene. This substitution is predicted to create a major amino acid change from a glycine to an arginine at position 96 of the protein; NP_005778.1(ALG3):p.(Gly96Arg). The glycine at this position has very high conservation (100 vertebrates, UCSC), and is located within the helical transmembrane region of the protein (PDB). In silico software predicts this variant to be damaging (Polyphen, SIFT, CADD, Mutation Taster). The variant is present in the gnomAD population database at a frequency of 0.002% (5 heterozygotes, 0 homozygotes). This variant has previously been reported as pathogenic in patients with congenital disorder of glycosylation (ClinVar, Himmelreich, N. et al. (2019), Lepais, L. et al. (2015)). In addition, protein studies demonstrated abnormal glycosylation consistent with congenital disorder of glycosylation type I (Lepais, L. et al. (2015)). Based on information available at the time of curation, this variant has been classified as LIKELY PATHOGENIC.

Lab Thiel (Congenital Disorders of Glycosylation), Center for Child and Adolescent Medicine
Classification: Pathogenic for ALG3-congenital disorder of glycosylation. Review status: no assertion criteria provided. Collection method: research. Allele origin: germline. Affected: yes. Observed: 1 compound heterozygote. Not counted in ClinVar's aggregate classification.
Comment: This glycosylation deficiency was biochemically approved by analysis of dolichol-linked oligosaccharides. The variant is absent from large population studies. In summary, the p.G96R variant meets our criteria to be classified as pathogenic.